The following is an entry in ClinVar:

NM_007327.4(GRIN1):c.1865-19_1865-18delinsAA

Gene: GRIN1 (glutamate ionotropic receptor NMDA type subunit 1; plus strand). Cytogenetic location: 9q34.3.
Variant type: Indel.
Coding change: c.1865-19_1865-18delinsAA on transcript NM_007327.4 (MANE Select); 19 bases into the intron before coding-DNA position 1865 through 18 bases into the intron before coding-DNA position 1865, GC replaced by AA.
Molecular consequence: intron variant.
Genome position (GRCh38, 1-based): chr9:137,162,572-137,162,573, GC replaced by AA. VCF-style: chr9-137162572-GC-AA. GRCh37 (hg19) VCF-style: chr9-140057024-GC-AA.
Other names: c.1928-19_1928-18delinsAA (NM_001185090.2, NM_001185091.2); c.1865-19_1865-18delinsAA (NM_021569.4, NM_000832.7).
Identifiers: ClinVar variation 3670662 (VCV003670662.2).

ClinVar aggregate classification (germline): Uncertain significance (1 of 4 stars; one submission).

Conditions:
Neurodevelopmental disorder with or without hyperkinetic movements and seizures, autosomal dominant. Also called: Intellectual disability, autosomal dominant 8. Identifiers: MedGen C3280282, MONDO:0013655, OMIM 614254.

Submission:

Labcorp Genetics (formerly Invitae), Labcorp
Classification: Uncertain significance for Neurodevelopmental disorder with or without hyperkinetic movements and seizures, autosomal dominant. Last evaluated: 2025-01-30. Review status: criteria provided, single submitter. Criteria: Invitae Variant Classification Sherloc (09022015). Collection method: clinical testing. Allele origin: germline.
Comment: This sequence change falls in intron 13 of the GRIN1 gene. It does not directly change the encoded amino acid sequence of the GRIN1 protein. Information on the frequency of this variant in the gnomAD database is not available, as this variant may be reported differently in the database. This variant has not been reported in the literature in individuals affected with GRIN1-related conditions. Experimental studies and prediction algorithms are not available or were not evaluated, and the effect of this variant on mRNA splicing is currently unknown. In summary, the available evidence is currently insufficient to determine the role of this variant in disease. Therefore, it has been classified as a Variant of Uncertain Significance.